The following is an entry in ClinVar:

ClinVar aggregate classification (germline): Conflicting classifications of pathogenicity. Review status: criteria provided, conflicting classifications (1 of 4 stars). 12 submissions from 11 submitters: Uncertain significance (10); Likely benign (1). 1 of the submissions does not count toward it. Last evaluated 2026-07-30.

Conditions:
Hereditary cancer-predisposing syndrome. Also called: Tumor predisposition; Hereditary neoplastic syndrome; Hereditary Cancer Syndrome; Neoplastic Syndromes, Hereditary. Identifiers: Orphanet 140162, MedGen C0027672, MeSH D009386, MONDO:0015356.
Cardiovascular phenotype. Identifiers: MedGen CN230736.
NF1-related disorder. Also called: NF1-related condition. Identifiers: MedGen CN379171.
Neurofibromatosis, familial spinal (FSNF). Identifiers: Orphanet 636, MedGen C1834235, MONDO:0008078, OMIM 162210. Disease mechanism: loss of function.
Neurofibromatosis, type 1 (NF1). Also called: NEUROFIBROMATOSIS, TYPE I, SOMATIC; VON RECKLINGHAUSEN DISEASE; Neurofibromatosis, type I; Peripheral type neurofibromatosis. Identifiers: Orphanet 636, MedGen C0027831, MONDO:0018975, OMIM 162200. Disease mechanism: loss of function.
Juvenile myelomonocytic leukemia (JMML). Also called: LEUKEMIA, JUVENILE MYELOMONOCYTIC, SOMATIC. Identifiers: Orphanet 86834, MedGen C0349639, MONDO:0011908, OMIM 607785, HP:0012209.
Neurofibromatosis-Noonan syndrome (NFNS). Also called: NEUROFIBROMATOSIS WITH NOONAN PHENOTYPE. Identifiers: Orphanet 638, MedGen C2931482, MONDO:0011035, OMIM 601321. Disease mechanism: loss of function.
Café-au-lait macules with pulmonary stenosis (WTSN). Also called: PULMONIC STENOSIS WITH CAFE-AU-LAIT SPOTS. Identifiers: MedGen C0553586, MONDO:0008672, OMIM 193520.

Allele frequency attached by ClinVar (database versions not stated): gnomAD exomes below 0.00001 and 0.00002; gnomAD 0.00001; TOPMed 0.00001.
gnomAD v4.1: 33 of 1,613,436 alleles (0.002%); highest among the groups gnomAD compares: Non-Finnish European, 0.0026%; no homozygotes.

Submissions (12):

PreventionGenetics, part of Exact Sciences
Classification: Uncertain significance for NF1-related condition. Last evaluated: 2026-07-30. Review status: criteria provided, single submitter. Criteria: ACMG Guidelines, 2015. Collection method: clinical testing. Allele origin: germline.
Comment: The NF1 c.83A>C variant is predicted to result in the amino acid substitution p.Gln28Pro. This variant was reported in an individual with breast cancer as well as in two unaffected controls (Breast Cancer Association Consortium et al. 2021. PubMed ID: 33471991). This variant is reported in 0.00088% of alleles in individuals of European (non-Finnish) descent in gnomAD and it is interpreted as uncertain in ClinVar (Variation ID: 142742). At this time, the clinical significance of this variant is uncertain due to the absence of conclusive functional and genetic evidence.

Labcorp Genetics (formerly Invitae), Labcorp
Classification: Likely benign for Neurofibromatosis, type 1. Last evaluated: 2026-01-13. Review status: criteria provided, single submitter. Criteria: Invitae Variant Classification Sherloc (09022015). Collection method: clinical testing. Allele origin: germline.

CeGaT Center for Human Genetics Tuebingen
Classification: Uncertain significance. Last evaluated: 2025-11-01. Review status: criteria provided, single submitter. Criteria: CeGaT Center For Human Genetics Tuebingen Variant Classification Criteria Version 2. Collection method: clinical testing. Allele origin: germline. Affected: yes. Observed: 1 variant allele.

Quest Diagnostics Nichols Institute San Juan Capistrano
Classification: Uncertain significance. Last evaluated: 2025-10-31. Review status: criteria provided, single submitter. Criteria: Quest Diagnostics criteria. Collection method: clinical testing. Allele origin: unknown.

GeneDx
Classification: Uncertain significance. Last evaluated: 2025-04-08. Review status: criteria provided, single submitter. Criteria: GeneDx Variant Classification Process June 2021. Collection method: clinical testing. Allele origin: germline. Affected: yes.
Comment: Observed in individuals with breast cancer as well as unaffected controls (PMID: 33471991); In silico analysis supports that this missense variant has a deleterious effect on protein structure/function; This variant is associated with the following publications: (PMID: 33471991, 30476936)

Fulgent Genetics
Classification: Uncertain significance for Neurofibromatosis, type 1; Neurofibromatosis, familial spinal; Café-au-lait macules with pulmonary stenosis; Neurofibromatosis-Noonan syndrome; Juvenile myelomonocytic leukemia. Last evaluated: 2024-06-12. Review status: criteria provided, single submitter. Criteria: ACMG Guidelines, 2015. Collection method: clinical testing. Allele origin: germline.

Genome-Nilou Lab
Classification: Uncertain significance for Neurofibromatosis, type 1. Last evaluated: 2022-03-15. Review status: criteria provided, single submitter. Criteria: ACMG Guidelines, 2015. Collection method: clinical testing. Allele origin: germline. Affected: no.

Sema4
Classification: Uncertain significance for Hereditary cancer-predisposing syndrome. Last evaluated: 2022-03-09. Review status: criteria provided, single submitter. Criteria: Sema4 Curation Guidelines. Collection method: curation. Allele origin: germline.
Comment: The NF1 c.83A>C (p.Q28P) variant has been reported in 1/60466 breast cancer cases and in 2/53461 control individuals in a large case control study evaluating breast cancer risk (PMID: 33471991). This variant was observed in 1/250968 chromosomes from large and broad populations by the Genome Aggregation Database (PMID: 32461654). It has been reported in ClinVar (Variation ID: 142742). Functional studies have not been performed, and in silico predictions of the variant's effect on protein function are inconclusive. The overall evidence is insufficient to meet ACMG/AMP criteria for classifying it as benign or pathogenic. In summary, the clinical significance of this variant is currently uncertain.

Ambry Genetics
Classification: Uncertain significance for Cardiovascular phenotype; Hereditary cancer-predisposing syndrome. Last evaluated: 2021-04-05. Review status: criteria provided, single submitter. Criteria: Ambry Variant Classification Scheme 2023. Collection method: clinical testing. Allele origin: germline.

Women's Health and Genetics/Laboratory Corporation of America, LabCorp
Classification: Uncertain significance. Last evaluated: 2021-02-02. Review status: criteria provided, single submitter. Criteria: LabCorp Variant Classification Summary - May 2015. Collection method: clinical testing. Allele origin: germline.
Comment: Variant summary: NF1 c.83A>C (p.Gln28Pro) results in a non-conservative amino acid change in the encoded protein sequence. Three of five in-silico tools predict a damaging effect of the variant on protein function. The variant allele was found at a frequency of 4e-06 in 250968 control chromosomes. The available data on variant occurrences in the general population are insufficient to allow any conclusion about variant significance. To our knowledge, no occurrence of c.83A>C in individuals affected with Neurofibromatosis Type 1 and no experimental evidence demonstrating its impact on protein function have been reported. Three clinical diagnostic laboratories have submitted clinical-significance assessments for this variant to ClinVar after 2014 without evidence for independent evaluation. All laboratories classified the variant as uncertain significance. Based on the evidence outlined above, the variant was classified as uncertain significance.

Ambry Genetics
Classification: Uncertain significance for Hereditary cancer-predisposing syndrome. Last evaluated: 2015-09-17. Review status: criteria provided, single submitter. Criteria: Ambry Autosomal Dominant and X-Linked criteria (10/2015). Collection method: clinical testing. Allele origin: germline. Observed: 1 variant allele.
Comment: Ã¢â‚¬â€¹The p.Q28P variant (also known as c.83A>C), located in coding exon 2 of the NF1 gene, results from an A to C substitution at nucleotide position 83. The glutamine at codon 28 is replaced by proline, an amino acid with similar properties. This variant was not reported in population based cohorts in the following databases: Database of Single Nucleotide Polymorphisms (dbSNP), NHLBI Exome Sequencing Project (ESP), and 1000 Genomes Project. This amino acid position is highly conserved in available vertebrate species. To date, this alteration has been detected with an allele frequency of approximately 0.003% (greater than 110000 alleles tested) in our clinical cohort. In addition, this alteration is predicted to be possibly damaging yet tolerated by PolyPhen and SIFT in silico analyses, respectively. Since supporting evidence is limited at this time, the clinical significance of p.Q28P remains unclear.

Gharavi Laboratory, Columbia University
Classification: Uncertain significance. Last evaluated: 2018-09-16. Review status: no assertion criteria provided. Criteria: ACMG Guidelines, 2015. Collection method: research. Allele origin: germline. Affected: no. Not counted in ClinVar's aggregate classification.

Literature cited by the submitters: PubMed 33471991 (cited by Sema4).

NM_001042492.3(NF1):c.83A>C (p.Gln28Pro)

Gene: NF1 (neurofibromin 1; plus strand). Cytogenetic location: 17q11.2.
Variant type: single nucleotide variant.
Coding change: c.83A>C on transcript NM_001042492.3 (MANE Select); coding-DNA position 83, A replaced by C.
Protein change: p.Gln28Pro; replaces glutamine 28 with proline.
Molecular consequence: missense variant.
Genome position (GRCh38, 1-based): chr17:31,156,005, A>C. VCF-style: chr17-31156005-A-C. GRCh37 (hg19) VCF-style: chr17-29483023-A-C.
Other names: c.83A>C, p.Gln28Pro (NM_000267.4, NM_001128147.3); short protein forms Q28P.
Identifiers: ClinVar variation 142742 (VCV000142742.28), dbSNP rs587782686, ClinGen allele CA169288.